The following is an entry in ClinVar:

NM_001035.3(RYR2):c.14168C>G (p.Ala4723Gly)

Gene: RYR2 (ryanodine receptor 2; plus strand). Cytogenetic location: 1q43.
Variant type: single nucleotide variant.
Coding change: c.14168C>G on transcript NM_001035.3 (MANE Select); coding-DNA position 14168, C replaced by G.
Protein change: p.Ala4723Gly; replaces alanine 4723 with glycine.
Molecular consequence: missense variant.
Genome position (GRCh38, 1-based): chr1:237,806,153, C>G. VCF-style: chr1-237806153-C-G. GRCh37 (hg19) VCF-style: chr1-237969453-C-G.
Other names: c.14168C>G (NM_001035.2); short protein forms A4723G.
Identifiers: ClinVar variation 4698950 (VCV004698950.2).

ClinVar aggregate classification (germline): Uncertain significance. Review status: criteria provided, multiple submitters, no conflicts (2 of 4 stars). 2 submissions from 2 submitters: Uncertain significance (2). Last evaluated 2026-01-09.

Conditions:
Catecholaminergic polymorphic ventricular tachycardia 1. Also called: VENTRICULAR TACHYCARDIA, CATECHOLAMINERGIC POLYMORPHIC, 1, WITH OR WITHOUT ATRIAL DYSFUNCTION AND/OR DILATED CARDIOMYOPATHY; RYR2-Related Catecholaminergic Polymorphic Ventricular Tachycardia; VENTRICULAR TACHYCARDIA, STRESS-INDUCED POLYMORPHIC 1. Identifiers: Orphanet 3286, MedGen C1631597, MONDO:0011484, OMIM 604772.
Cardiovascular phenotype. Identifiers: MedGen CN230736.

Submissions (2):

Ambry Genetics
Classification: Uncertain significance for Cardiovascular phenotype. Last evaluated: 2026-01-09. Review status: criteria provided, single submitter. Criteria: Ambry Variant Classification Scheme 2023. Collection method: clinical testing. Allele origin: germline.

Labcorp Genetics (formerly Invitae), Labcorp
Classification: Uncertain significance for Catecholaminergic polymorphic ventricular tachycardia 1. Last evaluated: 2025-10-17. Review status: criteria provided, single submitter. Criteria: Invitae Variant Classification Sherloc (09022015). Collection method: clinical testing. Allele origin: germline.
Comment: This sequence change replaces alanine, which is neutral and non-polar, with glycine, which is neutral and non-polar, at codon 4723 of the RYR2 protein (p.Ala4723Gly). This variant is not present in population databases (gnomAD no frequency). This variant has not been reported in the literature in individuals affected with RYR2-related conditions. Invitae Evidence Modeling of protein sequence and biophysical properties (such as structural, functional, and spatial information, amino acid conservation, physicochemical variation, residue mobility, and thermodynamic stability) indicates that this missense variant is not expected to disrupt RYR2 protein function with a negative predictive value of 95%. In summary, the available evidence is currently insufficient to determine the role of this variant in disease. Therefore, it has been classified as a Variant of Uncertain Significance.